The following is an entry in ClinVar:

ClinVar aggregate classification (germline): Uncertain significance. Review status: criteria provided, multiple submitters, no conflicts (2 of 4 stars). 4 submissions from 4 submitters: Uncertain significance (4). Last evaluated 2025-04-24.

Conditions:
Bardet-Biedl syndrome (BBS). Identifiers: Orphanet 110, MedGen C0752166, MONDO:0015229.
Bardet-Biedl syndrome 11 (BBS11). Identifiers: Orphanet 110, MedGen C1859569, MONDO:0014439, OMIM 615988.
Sarcotubular myopathy (LGMDR8). Also called: Autosomal recessive limb-girdle muscular dystrophy type 2H; MUSCULAR DYSTROPHY, LIMB-GIRDLE, AUTOSOMAL RECESSIVE 8; Limb-girdle muscular dystrophy, type 2H; Hutterite type of muscular dystrophy. Identifiers: Orphanet 1878, MedGen C0270968, MONDO:0009683, OMIM 254110.

Allele frequency attached by ClinVar (database versions not stated): gnomAD exomes below 0.00001 and 0.00002; gnomAD 0.00001; TOPMed 0.00001.
gnomAD v4.1: 26 of 1,614,078 alleles (0.0016%); highest among the groups gnomAD compares: Non-Finnish European, 0.0022%; 1 homozygote.

Submissions (4):

Revvity Omics, Revvity
Classification: Uncertain significance. Last evaluated: 2025-04-24. Review status: criteria provided, single submitter. Criteria: ACMG Guidelines, 2015. Collection method: clinical testing. Allele origin: germline.

Fulgent Genetics
Classification: Uncertain significance for Sarcotubular myopathy; Bardet-Biedl syndrome 11. Last evaluated: 2024-01-03. Review status: criteria provided, single submitter. Criteria: ACMG Guidelines, 2015. Collection method: clinical testing. Allele origin: germline.

Labcorp Genetics (formerly Invitae), Labcorp
Classification: Uncertain significance for Bardet-Biedl syndrome. Last evaluated: 2022-04-19. Review status: criteria provided, single submitter. Criteria: Invitae Variant Classification Sherloc (09022015). Collection method: clinical testing. Allele origin: germline.
Comment: This sequence change replaces proline, which is neutral and non-polar, with serine, which is neutral and polar, at codon 653 of the TRIM32 protein (p.Pro653Ser). This variant is present in population databases (no rsID available, gnomAD 0.0009%). This variant has not been reported in the literature in individuals affected with TRIM32-related conditions. ClinVar contains an entry for this variant (Variation ID: 598557). Algorithms developed to predict the effect of missense changes on protein structure and function are either unavailable or do not agree on the potential impact of this missense change (SIFT: "Tolerated"; PolyPhen-2: "Probably Damaging"; Align-GVGD: "Class C0"). In summary, the available evidence is currently insufficient to determine the role of this variant in disease. Therefore, it has been classified as a Variant of Uncertain Significance.

Eurofins Ntd Llc (ga)
Classification: Uncertain significance. Last evaluated: 2018-08-29. Review status: criteria provided, single submitter. Criteria: EGL ClinVar v180209 classification definitions. Collection method: clinical testing. Allele origin: germline. Observed: 1 variant allele, 1 heterozygote.

NM_012210.4(TRIM32):c.1957C>T (p.Pro653Ser)

Genes: ASTN2 (astrotactin 2; minus strand), TRIM32 (tripartite motif containing 32; plus strand). Cytogenetic location: 9q33.1.
Variant type: single nucleotide variant.
Coding change: c.1957C>T on transcript NM_012210.4 (MANE Select); coding-DNA position 1957, C replaced by T.
Protein change: p.Pro653Ser; replaces proline 653 with serine.
Molecular consequence: missense variant. On other transcripts: intron variant (3).
Genome position (GRCh38, 1-based): chr9:116,699,699, C>T. VCF-style: chr9-116699699-C-T. GRCh37 (hg19) VCF-style: chr9-119461978-C-T.
Other names: c.1957C>T, p.Pro653Ser (NM_001099679.2, NM_001379048.1, NM_001379049.1 and 1 more transcripts); c.2653+26072G>A (NM_014010.5); c.2794+26072G>A (NM_001365069.1); c.2806+26072G>A (NM_001365068.1); short protein forms P653S.
Identifiers: ClinVar variation 598557 (VCV000598557.15), dbSNP rs899549661, ClinGen allele CA198771668.